The following is an entry in ClinVar:

NM_022168.4(IFIH1):c.1738C>A (p.Gln580Lys)

Gene: IFIH1 (interferon induced with helicase C domain 1; minus strand). Cytogenetic location: 2q24.2.
Variant type: single nucleotide variant.
Coding change: c.1738C>A on transcript NM_022168.4 (MANE Select); coding-DNA position 1738, C replaced by A.
Protein change: p.Gln580Lys; replaces glutamine 580 with lysine.
Molecular consequence: missense variant.
Genome position (GRCh38, 1-based): chr2:162,278,232, G>T on the plus strand (C>A on the coding strand, the complement: IFIH1 is on the minus strand). VCF-style: chr2-162278232-G-T. GRCh37 (hg19) VCF-style: chr2-163134742-G-T.
Other names: c.1738C>A (NM_022168.2); short protein forms Q580K.
Identifiers: ClinVar variation 3763298 (VCV003763298.3).

ClinVar aggregate classification (germline): Uncertain significance. Review status: criteria provided, multiple submitters, no conflicts (2 of 4 stars). 2 submissions from 2 submitters: Uncertain significance (2). Last evaluated 2025-08-08.

Conditions:
Inborn genetic diseases. Identifiers: MedGen C0950123, MeSH D030342.
Aicardi-Goutieres syndrome 7 (AGS7). Identifiers: Orphanet 51, MedGen C3888244, MONDO:0014367, OMIM 615846.
Singleton-Merten syndrome 1 (SGMRT1). Also called: Widened medullary cavities of bone, aortic calcification, abnormal dentition, and muscular weakness; Syndrome of widened medullary cavities of the metacarpals and phalanges, aortic calcification and abnormal dentition. Identifiers: Orphanet 85191, MedGen C4225427, MONDO:0024535, OMIM 182250.

gnomAD v4.1: 24 of 1,605,518 alleles (0.0015%); highest among the groups gnomAD compares: Non-Finnish European, 0.0019%; no homozygotes.

Submissions (2):

Ambry Genetics
Classification: Uncertain significance for Inborn genetic diseases. Last evaluated: 2025-08-08. Review status: criteria provided, single submitter. Criteria: Ambry Variant Classification Scheme 2023. Collection method: clinical testing. Allele origin: germline.

Labcorp Genetics (formerly Invitae), Labcorp
Classification: Uncertain significance for Aicardi-Goutieres syndrome 7; Singleton-Merten syndrome 1. Last evaluated: 2024-08-29. Review status: criteria provided, single submitter. Criteria: Invitae Variant Classification Sherloc (09022015). Collection method: clinical testing. Allele origin: germline.
Comment: This sequence change replaces glutamine, which is neutral and polar, with lysine, which is basic and polar, at codon 580 of the IFIH1 protein (p.Gln580Lys). This variant is not present in population databases (gnomAD no frequency). This variant has not been reported in the literature in individuals affected with IFIH1-related conditions. Invitae Evidence Modeling of protein sequence and biophysical properties (such as structural, functional, and spatial information, amino acid conservation, physicochemical variation, residue mobility, and thermodynamic stability) has been performed for this missense variant. However, the output from this modeling did not meet the statistical confidence thresholds required to predict the impact of this variant on IFIH1 protein function. In summary, the available evidence is currently insufficient to determine the role of this variant in disease. Therefore, it has been classified as a Variant of Uncertain Significance.